The following is an entry in ClinVar:

NM_006944.3(SPP2):c.263G>A (p.Arg88Gln)

Gene: SPP2 (secreted phosphoprotein 2; plus strand). Cytogenetic location: 2q37.1.
Variant type: single nucleotide variant.
Coding change: c.263G>A on transcript NM_006944.3 (MANE Select); coding-DNA position 263, G replaced by A.
Protein change: p.Arg88Gln; replaces arginine 88 with glutamine.
Molecular consequence: missense variant.
Genome position (GRCh38, 1-based): chr2:234,058,888, G>A. VCF-style: chr2-234058888-G-A. GRCh37 (hg19) VCF-style: chr2-234967532-G-A.
Other names: short protein forms R88Q.
Identifiers: ClinVar variation 1924450 (VCV001924450.6), dbSNP rs746289744, ClinGen allele CA2183134.

ClinVar aggregate classification (germline): Uncertain significance. Review status: criteria provided, multiple submitters, no conflicts (2 of 4 stars). 2 submissions from 2 submitters: Uncertain significance (2). Last evaluated 2025-01-29.

Allele frequency attached by ClinVar (database versions not stated): ExAC 0.00002; TOPMed 0.00002.

Submissions (2):

Labcorp Genetics (formerly Invitae), Labcorp
Classification: Uncertain significance. Last evaluated: 2025-01-29. Review status: criteria provided, single submitter. Criteria: Invitae Variant Classification Sherloc (09022015). Collection method: clinical testing. Allele origin: germline.
Comment: This sequence change replaces arginine, which is basic and polar, with glutamine, which is neutral and polar, at codon 88 of the SPP2 protein (p.Arg88Gln). This variant is present in population databases (rs746289744, gnomAD 0.007%). This variant has not been reported in the literature in individuals affected with SPP2-related conditions. ClinVar contains an entry for this variant (Variation ID: 1924450). An algorithm developed to predict the effect of missense changes on protein structure and function outputs the following: PolyPhen-2: "Benign". The glutamine amino acid residue is found in multiple mammalian species, which suggests that this missense change does not adversely affect protein function. In summary, the available evidence is currently insufficient to determine the role of this variant in disease. Therefore, it has been classified as a Variant of Uncertain Significance.

Blueprint Genetics
Classification: Uncertain significance. Last evaluated: 2022-05-05. Review status: criteria provided, single submitter. Criteria: ACMG Guidelines, 2015. Collection method: clinical testing. Allele origin: germline.